The following is an entry in ClinVar:

NM_000093.5(COL5A1):c.4319G>A (p.Arg1440Gln)

Gene: COL5A1 (collagen type V alpha 1 chain; plus strand). Cytogenetic location: 9q34.3.
Variant type: single nucleotide variant.
Coding change: c.4319G>A on transcript NM_000093.5 (MANE Select); coding-DNA position 4319, G replaced by A.
Protein change: p.Arg1440Gln; replaces arginine 1440 with glutamine.
Molecular consequence: missense variant.
Genome position (GRCh38, 1-based): chr9:134,818,744, G>A. VCF-style: chr9-134818744-G-A. GRCh37 (hg19) VCF-style: chr9-137710590-G-A.
Other names: c.4319G>A (NM_000093.3); c.4319G>A, p.Arg1440Gln (NM_001278074.1); short protein forms R1440Q.
Identifiers: ClinVar variation 636332 (VCV000636332.5), dbSNP rs758650140, ClinGen allele CA5320234.

ClinVar aggregate classification (germline): Conflicting classifications of pathogenicity. Review status: criteria provided, conflicting classifications (1 of 4 stars). 2 submissions from 2 submitters: Uncertain significance (1); Likely benign (1). Last evaluated 2026-04-04.

Conditions:
Ehlers-Danlos syndrome, classic type, 1 (EDSCL1). Also called: EDS I; EHLERS-DANLOS SYNDROME, GRAVIS TYPE; EHLERS-DANLOS SYNDROME, SEVERE CLASSIC TYPE; Ehlers-Danlos Syndrome, Classic Type, COL5A1-Related; Ehlers-Danlos syndrome, type 1. Identifiers: MedGen C0268335, MONDO:0019567, OMIM 130000.
Familial thoracic aortic aneurysm and aortic dissection (TAAD). Also called: Thoracic aortic aneurysms and dissections. Identifiers: Orphanet 91387, MedGen C4707243, MONDO:0019625.

Allele frequency attached by ClinVar (database versions not stated): TOPMed 0.00001; gnomAD 0.00002; ExAC 0.00002; gnomAD exomes 0.00001.
gnomAD v4.1: 46 of 1,612,020 alleles (0.0029%); highest among the groups gnomAD compares: Non-Finnish European, 0.0036%; no homozygotes.

Submissions (2):

Ambry Genetics
Classification: Uncertain significance for Familial thoracic aortic aneurysm and aortic dissection. Last evaluated: 2026-04-04. Review status: criteria provided, single submitter. Criteria: Ambry Variant Classification Scheme 2023. Collection method: clinical testing. Allele origin: germline.
Comment: The p.R1440Q variant (also known as c.4319G>A), located in coding exon 55 of the COL5A1 gene, results from a G to A substitution at nucleotide position 4319. The arginine at codon 1440 is replaced by glutamine, an amino acid with highly similar properties. This amino acid position is conserved. In addition, the in silico prediction for this alteration is inconclusive. Based on the available evidence, the clinical significance of this variant remains unclear.

Labcorp Genetics (formerly Invitae), Labcorp
Classification: Likely benign for Ehlers-Danlos syndrome, classic type, 1. Last evaluated: 2025-12-01. Review status: criteria provided, single submitter. Criteria: Invitae Variant Classification Sherloc (09022015). Collection method: clinical testing. Allele origin: germline.